The following is an entry in ClinVar:

NM_033004.4(NLRP1):c.1190A>C (p.Gln397Pro)

Gene: NLRP1 (NLR family pyrin domain containing 1; minus strand). Cytogenetic location: 17p13.2.
Variant type: single nucleotide variant.
Coding change: c.1190A>C on transcript NM_033004.4 (MANE Select); coding-DNA position 1190, A replaced by C.
Protein change: p.Gln397Pro; replaces glutamine 397 with proline.
Molecular consequence: missense variant.
Genome position (GRCh38, 1-based): chr17:5,559,506, T>G on the plus strand (A>C on the coding strand, the complement: NLRP1 is on the minus strand). VCF-style: chr17-5559506-T-G. GRCh37 (hg19) VCF-style: chr17-5462826-T-G.
Other names: c.1190A>C, p.Gln397Pro (NM_001033053.3, NM_014922.5, NM_033006.4 and 1 more transcripts); short protein forms Q397P.
Identifiers: ClinVar variation 2132126 (VCV002132126.7), dbSNP rs200397188, ClinGen allele CA287268611.
Genomic context (GRCh38, chr17:5,559,506, plus strand): 5'-CATCCTGGCTCATCTACACCATCGAGGATGAAGAGCAGCCGCTCTGGCCTAGACAGGATC[T>G]GTCTAATGGGAGCCGGAGTGGCTGTCCCATCTTTTCCGATGAGCTCAGCGAGACTCACCA-3'
Protein context (NP_127497.1, residues 387-407): DGTATPAPIR[Gln397Pro]ILSRPERLLF

ClinVar aggregate classification (germline): Uncertain significance. Review status: criteria provided, multiple submitters, no conflicts (2 of 4 stars). 4 submissions from 4 submitters: Uncertain significance (4). Last evaluated 2026-07-23.

Conditions:
Inborn genetic diseases. Identifiers: MedGen C0950123, MeSH D030342.
NLRP1-related disorder. Also called: NLRP1-related condition.

gnomAD v4.1: 36 of 1,614,078 alleles (0.0022%); highest among the groups gnomAD compares: Non-Finnish European, 0.0031%; no homozygotes.

Submissions (4):

PreventionGenetics, part of Exact Sciences
Classification: Uncertain significance for NLRP1-related condition. Last evaluated: 2026-07-23. Review status: criteria provided, single submitter. Criteria: ACMG Guidelines, 2015. Collection method: clinical testing. Allele origin: germline.
Comment: The NLRP1 c.1190A>C variant is predicted to result in the amino acid substitution p.Gln397Pro. To our knowledge, this variant has not been reported in the literature. This variant is reported in 0.0035% of alleles in individuals of European (Non-Finnish) descent in gnomAD. At this time, the clinical significance of this variant is uncertain due to the absence of conclusive functional and genetic evidence.

Labcorp Genetics (formerly Invitae), Labcorp
Classification: Uncertain significance. Last evaluated: 2025-09-12. Review status: criteria provided, single submitter. Criteria: Invitae Variant Classification Sherloc (09022015). Collection method: clinical testing. Allele origin: germline.
Comment: This sequence change replaces glutamine, which is neutral and polar, with proline, which is neutral and non-polar, at codon 397 of the NLRP1 protein (p.Gln397Pro). This variant is present in population databases (rs200397188, gnomAD 0.004%). This variant has not been reported in the literature in individuals affected with NLRP1-related conditions. ClinVar contains an entry for this variant (Variation ID: 2132126). An algorithm developed to predict the effect of missense changes on protein structure and function (PolyPhen-2) suggests that this variant is likely to be disruptive. In summary, the available evidence is currently insufficient to determine the role of this variant in disease. Therefore, it has been classified as a Variant of Uncertain Significance.

GeneDx
Classification: Uncertain significance. Last evaluated: 2025-01-15. Review status: criteria provided, single submitter. Criteria: GeneDx Variant Classification Process June 2021. Collection method: clinical testing. Allele origin: germline. Affected: yes.
Comment: In silico analysis supports that this missense variant has a deleterious effect on protein structure/function; Has not been previously published as pathogenic or benign to our knowledge

Ambry Genetics
Classification: Uncertain significance for Inborn genetic diseases. Last evaluated: 2022-10-25. Review status: criteria provided, single submitter. Criteria: Ambry Variant Classification Scheme 2023. Collection method: clinical testing. Allele origin: germline.